The following is an entry in ClinVar:

ClinVar aggregate classification (germline): Uncertain significance (1 of 4 stars; one submission).

gnomAD v4.1: 1 of 1,613,344 alleles (0.000062%); highest among the groups gnomAD compares: Non-Finnish European, 0.000085%; no homozygotes.

Submission:

Labcorp Genetics (formerly Invitae), Labcorp
Classification: Uncertain significance. Last evaluated: 2025-01-29. Review status: criteria provided, single submitter. Criteria: Invitae Variant Classification Sherloc (09022015). Collection method: clinical testing. Allele origin: germline.
Comment: This sequence change replaces aspartic acid, which is acidic and polar, with glutamic acid, which is acidic and polar, at codon 799 of the RP1 protein (p.Asp799Glu). This variant is present in population databases (rs762140861, gnomAD 0.0009%). This variant has not been reported in the literature in individuals affected with RP1-related conditions. ClinVar contains an entry for this variant (Variation ID: 1422598). An algorithm developed to predict the effect of missense changes on protein structure and function outputs the following: PolyPhen-2: "Benign". The glutamic acid amino acid residue is found in multiple mammalian species, which suggests that this missense change does not adversely affect protein function. In summary, the available evidence is currently insufficient to determine the role of this variant in disease. Therefore, it has been classified as a Variant of Uncertain Significance.

NM_006269.2(RP1):c.2397T>G (p.Asp799Glu)

Gene: RP1 (RP1 axonemal microtubule associated; plus strand). Cytogenetic location: 8q12.1.
Variant type: single nucleotide variant.
Coding change: c.2397T>G on transcript NM_006269.2 (MANE Select); coding-DNA position 2397, T replaced by G.
Protein change: p.Asp799Glu; replaces aspartic acid 799 with glutamic acid.
Molecular consequence: missense variant. On other transcripts: intron variant (1).
Genome position (GRCh38, 1-based): chr8:54,626,279, T>G. VCF-style: chr8-54626279-T-G. GRCh37 (hg19) VCF-style: chr8-55538839-T-G.
Other names: c.787+3991T>G (NM_001375654.1); short protein forms D799E.
Identifiers: ClinVar variation 1422598 (VCV001422598.8), dbSNP rs762140861, ClinGen allele CA4751526.